The following is an entry in ClinVar:

NM_025000.4(DCAF17):c.2T>C (p.Met1Thr)

Genes: DCAF17 (DDB1 and CUL4 associated factor 17; plus strand), METTL8 (methyltransferase 8, tRNA N3-cytidine; minus strand). Cytogenetic location: 2q31.1.
Variant type: single nucleotide variant.
Coding change: c.2T>C on transcript NM_025000.4 (MANE Select); coding-DNA position 2, T replaced by C.
Protein change: p.Met1Thr; changes the start codon (methionine 1).
Molecular consequence: missense variant, initiator codon variant. On other transcripts: non-coding transcript variant (1), intron variant (4).
Genome position (GRCh38, 1-based): chr2:171,434,579, T>C. VCF-style: chr2-171434579-T-C. GRCh37 (hg19) VCF-style: chr2-172291089-T-C.
Other names: c.2T>C, p.Met1Thr (NM_001164821.2); c.8+95A>G (NM_001321161.2, NM_001321158.2, NM_001321157.2); c.-13+95A>G (NM_024770.5); short protein forms M1T.
Identifiers: ClinVar variation 2771257 (VCV002771257.3), dbSNP rs2529600613, ClinGen allele CA349597202.
Genomic context (GRCh38, chr2:171,434,579, plus strand): 5'-GGGAGTGTGGGGCGCGCCACTCGGCGGCCCAGCCTACCCAGGGCCCGGCCCGCGCCTCCA[T>C]GGGCCCGACCCGGAAGCCCAACGTGTGCAGCCGGCTGAGTCGCCGGGCGCTGGGCTGCTT-3'
Protein context (NP_079276.2, residues 1-11): [Met1Thr]GPTRKPNVCS

ClinVar aggregate classification (germline): Pathogenic (1 of 4 stars; one submission).

Conditions:
Woodhouse-Sakati syndrome. Also called: Hypogonadism, Alopecia, Diabetes Mellitus, Mental Retardation, and Extrapyramidal Syndrome; Hypogonadism, diabetes mellitus, alopecia, mental retardation and electrocardiographic abnormalities; EXTRAPYRAMIDAL DISORDER, PROGRESSIVE, WITH PRIMARY HYPOGONADISM, MENTAL RETARDATION, AND ALOPECIA. Identifiers: Orphanet 3464, MedGen C0342286, MONDO:0009419, OMIM 241080.

Allele frequency attached by ClinVar (database versions not stated): gnomAD exomes below 0.00001.
gnomAD v4.1: 1 of 1,527,244 alleles (0.000065%); highest among the groups gnomAD compares: Non-Finnish European, 0.000087%; no homozygotes.

Submission:

Labcorp Genetics (formerly Invitae), Labcorp
Classification: Pathogenic for Woodhouse-Sakati syndrome. Last evaluated: 2023-10-23. Review status: criteria provided, single submitter. Criteria: Invitae Variant Classification Sherloc (09022015). Collection method: clinical testing. Allele origin: germline.
Comment: This sequence change affects the initiator methionine of the DCAF17 mRNA. The next in-frame methionine is located at codon 88. This variant is not present in population databases (gnomAD no frequency). Disruption of the initiator codon has been observed in individual(s) with Woodhouse-Sakati syndrome (PMID: 31323129). It has also been observed to segregate with disease in related individuals. For these reasons, this variant has been classified as Pathogenic.

Literature cited by the submitters: PubMed 31323129.